The following is an entry in ClinVar:

NM_019066.5(MAGEL2):c.1428_1429delinsGCCGCTGATCCGCCAGGCCCCACCGGTGATCCGCCAGGCCCCACCCGTGATCCGCCAGGCCCCACCCGTGATCCGCCAGGCCCCCG (p.Pro477_Val478insLeuIleArgGlnAlaProProValIleArgGlnAlaProProValIleArgGlnAlaProProValIleArgGlnAlaProAla)

Gene: MAGEL2 (MAGE family member L2; minus strand). Cytogenetic location: 15q11.2.
Variant type: Indel.
Coding change: c.1428_1429delinsGCCGCTGATCCGCCAGGCCCCACCGGTGATCCGCCAGGCCCCACCCGTGATCCGCCAGGCCCCACCCGTGATCCGCCAGGCCCCCG on transcript NM_019066.5 (MANE Select); coding-DNA positions 1428 to 1429, the reference bases replaced by an inserted sequence.
Protein change: p.Pro477_Val478insLeuIleArgGlnAlaProProValIleArgGlnAlaProProValIleArgGlnAlaProProValIleArgGlnAlaProAla.
Molecular consequence: inframe insertion.
Genome position (GRCh38, 1-based): chr15:23,646,314-23,646,315, 2 bases replaced. GRCh37 (hg19): chr15:23,891,461-23,891,462.
Identifiers: ClinVar variation 3702243 (VCV003702243.2).

ClinVar aggregate classification (germline): Uncertain significance (1 of 4 stars; one submission).

Submission:

Labcorp Genetics (formerly Invitae), Labcorp
Classification: Uncertain significance. Last evaluated: 2018-11-08. Review status: criteria provided, single submitter. Criteria: Invitae Variant Classification Sherloc (09022015). Collection method: clinical testing. Allele origin: germline.
Comment: This variant, c.1428_1429delins86, is a complex sequence change that results in the insertion of 28 amino acids of the MAGEL2 protein (p.Pro477_Val478ins28). The frequency data for this variant in the population databases is considered unreliable, as metrics indicate insufficient coverage at this position in the ExAC database. This variant has not been reported in the literature in individuals with MAGEL2-related disease. Experimental studies and prediction algorithms are not available for this variant, and the functional significance of the affected amino acid(s) is currently unknown. In summary, the available evidence is currently insufficient to determine the role of this variant in disease. Therefore, it has been classified as a Variant of Uncertain Significance.